The following is an entry in ClinVar:

ClinVar aggregate classification (germline): Uncertain significance (1 of 4 stars; one submission).

Allele frequency attached by ClinVar (database versions not stated): gnomAD 0.00001; gnomAD exomes 0.00001; TOPMed 0.00002.
gnomAD v4.1: 16 of 1,614,056 alleles (0.00099%); highest among the groups gnomAD compares: Admixed American, 0.0033%; no homozygotes.

Submission:

Labcorp Genetics (formerly Invitae), Labcorp
Classification: Uncertain significance. Last evaluated: 2023-08-04. Review status: criteria provided, single submitter. Criteria: Invitae Variant Classification Sherloc (09022015). Collection method: clinical testing. Allele origin: germline.
Comment: In summary, the available evidence is currently insufficient to determine the role of this variant in disease. Therefore, it has been classified as a Variant of Uncertain Significance. Advanced modeling of protein sequence and biophysical properties (such as structural, functional, and spatial information, amino acid conservation, physicochemical variation, residue mobility, and thermodynamic stability) performed at Invitae indicates that this missense variant is not expected to disrupt ACBD5 protein function. ClinVar contains an entry for this variant (Variation ID: 1041064). This variant has not been reported in the literature in individuals affected with ACBD5-related conditions. This variant is present in population databases (no rsID available, gnomAD 0.003%). This sequence change replaces valine, which is neutral and non-polar, with methionine, which is neutral and non-polar, at codon 443 of the ACBD5 protein (p.Val443Met).

NM_145698.5(ACBD5):c.1327G>A (p.Val443Met)

Gene: ACBD5 (acyl-CoA binding domain containing 5; minus strand). Cytogenetic location: 10p12.1.
Variant type: single nucleotide variant.
Coding change: c.1327G>A on transcript NM_145698.5 (MANE Select); coding-DNA position 1327, G replaced by A.
Protein change: p.Val443Met; replaces valine 443 with methionine.
Molecular consequence: missense variant.
Genome position (GRCh38, 1-based): chr10:27,208,323, C>T on the plus strand (G>A on the coding strand, the complement: ACBD5 is on the minus strand). VCF-style: chr10-27208323-C-T. GRCh37 (hg19) VCF-style: chr10-27497252-C-T.
Other names: c.1222G>A, p.Val408Met (NM_001042473.4, NM_001352577.2, NM_001352578.2 and 1 more transcripts); c.1321G>A, p.Val441Met (NM_001271512.3); c.1000G>A, p.Val334Met (NM_001301251.2, NM_001301252.2, NM_001301253.2 and 2 more transcripts); c.796G>A, p.Val266Met (NM_001301254.2); c.1381G>A, p.Val461Met (NM_001352568.1); c.1360G>A, p.Val454Met (NM_001352569.1); c.1327G>A, p.Val443Met (NM_001352570.1); c.1354G>A, p.Val452Met (NM_001352571.1); and 10 more; short protein forms V386M, V390M, V419M, V266M, V345M, V375M, V436M, V443M.
Identifiers: ClinVar variation 1041064 (VCV001041064.7), dbSNP rs1056013477, ClinGen allele CA376373242.
Genomic context (GRCh38, chr10:27,208,323, plus strand): 5'-TTTCCAGTTTCTGCAGTCTCTGAAGGACATTCTGCATGTCCTCCTGCAGTCTCATCAGCA[C>T]GAGGGCGATCTGCTCATTGAGGCTGCCTCGGGACCCTCTGTCGGAGCCCCAGCGCTCCCC-3'
Protein context (NP_663736.2, residues 433-453): RGSLNEQIAL[Val443Met]LMRLQEDMQN